The following is an entry in ClinVar:

ClinVar aggregate classification (germline): Uncertain significance (1 of 4 stars; one submission).

gnomAD v4.1: 3 of 1,612,302 alleles (0.00019%); highest among the groups gnomAD compares: Admixed American, 0.005%; no homozygotes.

Submission:

Labcorp Genetics (formerly Invitae), Labcorp
Classification: Uncertain significance. Last evaluated: 2022-05-31. Review status: criteria provided, single submitter. Criteria: Invitae Variant Classification Sherloc (09022015). Collection method: clinical testing. Allele origin: germline.
Comment: Algorithms developed to predict the effect of missense changes on protein structure and function are either unavailable or do not agree on the potential impact of this missense change (SIFT: "Deleterious"; PolyPhen-2: "Benign"; Align-GVGD: "Class C0"). In summary, the available evidence is currently insufficient to determine the role of this variant in disease. Therefore, it has been classified as a Variant of Uncertain Significance. This variant is present in population databases (no rsID available, gnomAD 0.009%). This sequence change replaces valine, which is neutral and non-polar, with glycine, which is neutral and non-polar, at codon 381 of the FGFR3 protein (p.Val381Gly). This variant has not been reported in the literature in individuals affected with FGFR3-related conditions.

NM_000142.5(FGFR3):c.1142T>G (p.Val381Gly)

Gene: FGFR3 (fibroblast growth factor receptor 3; plus strand). Cytogenetic location: 4p16.3.
Variant type: single nucleotide variant.
Coding change: c.1142T>G on transcript NM_000142.5 (MANE Select); coding-DNA position 1142, T replaced by G.
Protein change: p.Val381Gly; replaces valine 381 with glycine.
Molecular consequence: missense variant. On other transcripts: non-coding transcript variant (1), intron variant (1).
Genome position (GRCh38, 1-based): chr4:1,804,396, T>G. VCF-style: chr4-1804396-T-G. GRCh37 (hg19) VCF-style: chr4-1806123-T-G.
Other names: c.1148T>G, p.Val383Gly (NM_001163213.2); c.1142T>G, p.Val381Gly (NM_001354809.2, NM_001354810.2); c.931-428T>G (NM_022965.4); short protein forms V381G, V383G.
Identifiers: ClinVar variation 2414381 (VCV002414381.6), dbSNP rs587778776, ClinGen allele CA355979036.
Genomic context (GRCh38, chr4:1,804,396, plus strand): 5'-AGGAGCTGGTGGAGGCTGACGAGGCGGGCAGTGTGTATGCAGGCATCCTCAGCTACGGGG[T>G]GGGCTTCTTCCTGTTCATCCTGGTGGTGGCGGCTGTGACGCTCTGCCGCCTGCGCAGCCC-3'
Protein context (NP_000133.1, residues 371-391): SVYAGILSYG[Val381Gly]GFFLFILVVA